The following is an entry in ClinVar:

ClinVar aggregate classification (germline): Uncertain significance (1 of 4 stars; one submission).

Conditions:
Cardiovascular phenotype. Identifiers: MedGen CN230736.

Allele frequency attached by ClinVar (database versions not stated): gnomAD exomes below 0.00001; TOPMed below 0.00001.
gnomAD v4.1: 3 of 1,550,192 alleles (0.00019%); highest among the groups gnomAD compares: Non-Finnish European, 0.00026%; no homozygotes.

Submission:

Ambry Genetics
Classification: Uncertain significance for Cardiovascular phenotype. Last evaluated: 2023-05-06. Review status: criteria provided, single submitter. Criteria: Ambry Variant Classification Scheme 2023. Collection method: clinical testing. Allele origin: germline.
Comment: The p.R1625K variant (also known as c.4874G>A), located in coding exon 2 of the ZNF469 gene, results from a G to A substitution at nucleotide position 4874. The arginine at codon 1625 is replaced by lysine, an amino acid with highly similar properties. This amino acid position is poorly conserved in available vertebrate species. In addition, this alteration is predicted to be tolerated by in silico analysis. Since supporting evidence is limited at this time, the clinical significance of this alteration remains unclear.

NM_001367624.2(ZNF469):c.4958G>A (p.Arg1653Lys)

Gene: ZNF469 (zinc finger protein 469; plus strand). Cytogenetic location: 16q24.2.
Variant type: single nucleotide variant.
Coding change: c.4958G>A on transcript NM_001367624.2 (MANE Select); coding-DNA position 4958, G replaced by A.
Protein change: p.Arg1653Lys; replaces arginine 1653 with lysine.
Molecular consequence: missense variant.
Genome position (GRCh38, 1-based): chr16:88,432,428, G>A. VCF-style: chr16-88432428-G-A. GRCh37 (hg19) VCF-style: chr16-88498836-G-A.
Other names: NM_001127464.1:c.4874G>A; short protein forms R1653K.
Identifiers: ClinVar variation 1743740 (VCV001743740.3), dbSNP rs1446647998, ClinGen allele CA397094547.